The following is an entry in ClinVar:

ClinVar aggregate classification (germline): Benign. Review status: reviewed by expert panel (3 of 4 stars). 2 submissions from 2 submitters: Benign (1). 1 of the submissions does not count toward it. Last evaluated 2020-01-13.

Conditions:
Hereditary thrombocytopenia and hematological cancer predisposition syndrome associated with RUNX1. Also called: PLATELET DISORDER, ASPIRIN-LIKE; RUNX1 Familial Platelet Disorder with Associated Myeloid Malignancies; Familial Platelet Disorder with Propensity to Acute Myelogenous Leukemia; Familial thrombocytopenia with propensity to acute myelogenous leukemia. Identifiers: Orphanet 71290, MedGen C1832388, MeSH C563324, MONDO:0100083, OMIM 601399.

Allele frequency attached by ClinVar (database versions not stated): gnomAD exomes 0.00585; gnomAD 0.02722; 1000 Genomes Project 0.02736; TOPMed 0.02967; 1000 Genomes Project 30x 0.03061.
gnomAD v4.1: 4,633 of 233,554 alleles (2%); highest among the groups gnomAD compares: African/African-American, 9.5%; 194 homozygotes.

Submissions (2):

ClinGen Myeloid Malignancy Variant Curation Expert Panel
Classification: Benign for Hereditary thrombocytopenia and hematologic cancer predisposition syndrome. Last evaluated: 2020-01-13. Review status: reviewed by expert panel. Criteria: ClinGen MyeloMalig ACMG Specifications v1. Collection method: curation. Allele origin: germline. Inheritance: Autosomal dominant inheritance.
Comment: The NM_001754.4(RUNX1):c.*2768A>C variant in the 3' UTR has an MAF of 0.0935 (9%, 3917/41896 alleles) in the African subpopulation of the gnomAD v3 cohort and is =/> 0.0015 (0.15%) (BA1). This variant is detected in a homozygous state in 167 individuals in the gnomAD v3 population database (BP2). In summary, this variant meets criteria to be classified as benign. ACMG/AMP criteria applied, as specified by the Myeloid Malignancy Variant Curation Expert Panel for RUNX1: BA1, BP2.

Illumina Laboratory Services, Illumina
Classification: Benign for Hereditary thrombocytopenia and hematological cancer predisposition syndrome associated with RUNX1. Last evaluated: 2018-01-13. Review status: criteria provided, single submitter. Criteria: ICSL Variant Classification Criteria 13 December 2019. Collection method: clinical testing. Allele origin: germline. Not counted in ClinVar's aggregate classification.
Comment: This variant was observed in the ICSL laboratory as part of a predisposition screen in an ostensibly healthy population. It had not been previously curated by ICSL or reported in the Human Gene Mutation Database (HGMD: prior to June 1st, 2018), and was therefore a candidate for classification through an automated scoring system. Utilizing variant allele frequency, disease prevalence and penetrance estimates, and inheritance mode, an automated score was calculated to assess if this variant is too frequent to cause the disease. Based on the score and internal cut-off values, a variant classified as benign is not then subjected to further curation. The score for this variant resulted in a classification of benign for this disease.

NM_001754.5(RUNX1):c.*2768A>C

Gene: RUNX1 (RUNX family transcription factor 1; minus strand). Cytogenetic location: 21q22.12.
Variant type: single nucleotide variant.
Coding change: c.*2768A>C on transcript NM_001754.5 (MANE Select); 2768 bases downstream of the stop codon, A replaced by C.
Molecular consequence: 3 prime UTR variant.
Genome position (GRCh38, 1-based): chr21:34,789,367, T>G on the plus strand (A>C on the coding strand, the complement: RUNX1 is on the minus strand). VCF-style: chr21-34789367-T-G. GRCh37 (hg19) VCF-style: chr21-36161664-T-G.
Other names: c.*2768A>C (NM_001754.4, NM_001001890.3).
Identifiers: ClinVar variation 339822 (VCV000339822.6), dbSNP rs74950917, ClinGen allele CA10653554.